The following is an entry in ClinVar:

ClinVar aggregate classification (germline): Uncertain significance (1 of 4 stars; one submission).

Conditions:
Brugada syndrome 5 (BRGDA5). Identifiers: Orphanet 130, Orphanet 871, MedGen C2748541, MONDO:0013015, OMIM 612838.

Submission:

Labcorp Genetics (formerly Invitae), Labcorp
Classification: Uncertain significance for Brugada syndrome 5. Last evaluated: 2022-03-08. Review status: criteria provided, single submitter. Criteria: Invitae Variant Classification Sherloc (09022015). Collection method: clinical testing. Allele origin: germline.
Comment: Experimental studies and prediction algorithms are not available or were not evaluated, and the functional significance of this variant is currently unknown. In summary, the available evidence is currently insufficient to determine the role of this variant in disease. Therefore, it has been classified as a Variant of Uncertain Significance. This variant has not been reported in the literature in individuals affected with SCN1B-related conditions. This variant is not present in population databases (gnomAD no frequency). This sequence change replaces threonine, which is neutral and polar, with asparagine, which is neutral and polar, at codon 204 of the SCN1B protein (p.Thr204Asn). The SCN1B gene has multiple clinically relevant transcripts. This variant occurs in alternate transcript NM_001037.5, and corresponds to NM_199037.3:c.*5557C>A in the primary transcript.

NM_001037.5(SCN1B):c.611C>A (p.Thr204Asn)

Gene: SCN1B (sodium voltage-gated channel beta subunit 1; plus strand). Cytogenetic location: 19q13.11.
Variant type: single nucleotide variant.
Coding change: c.611C>A on transcript NM_001037.5 (MANE Select); coding-DNA position 611, C replaced by A.
Protein change: p.Thr204Asn; replaces threonine 204 with asparagine.
Molecular consequence: missense variant.
Genome position (GRCh38, 1-based): chr19:35,039,655, C>A. VCF-style: chr19-35039655-C-A. GRCh37 (hg19) VCF-style: chr19-35530559-C-A.
Other names: c.512C>A, p.Thr171Asn (NM_001321605.2); short protein forms T204N, T171N.
Identifiers: ClinVar variation 1518729 (VCV001518729.6), dbSNP rs2151749048, ClinGen allele CA405330253.